The following is an entry in ClinVar:

NM_052874.5(STX1B):c.407C>G (p.Thr136Ser)

Gene: STX1B (syntaxin 1B; minus strand). Cytogenetic location: 16p11.2.
Variant type: single nucleotide variant.
Coding change: c.407C>G on transcript NM_052874.5 (MANE Select); coding-DNA position 407, C replaced by G.
Protein change: p.Thr136Ser; replaces threonine 136 with serine.
Molecular consequence: missense variant.
Genome position (GRCh38, 1-based): chr16:30,997,007, G>C on the plus strand (C>G on the coding strand, the complement: STX1B is on the minus strand). VCF-style: chr16-30997007-G-C. GRCh37 (hg19) VCF-style: chr16-31008328-G-C.
Other names: short protein forms T136S.
Identifiers: ClinVar variation 1497242 (VCV001497242.8), dbSNP rs2143669353, ClinGen allele CA395649092.

ClinVar aggregate classification (germline): Uncertain significance (1 of 4 stars; one submission).

Conditions:
Generalized epilepsy with febrile seizures plus, type 9 (GEFSP9). Also called: GEFS+, TYPE 9. Identifiers: Orphanet 36387, MedGen C4015395, MONDO:0014517, OMIM 616172.

Submission:

Labcorp Genetics (formerly Invitae), Labcorp
Classification: Uncertain significance for Generalized epilepsy with febrile seizures plus, type 9. Last evaluated: 2022-06-27. Review status: criteria provided, single submitter. Criteria: Invitae Variant Classification Sherloc (09022015). Collection method: clinical testing. Allele origin: germline.
Comment: In summary, the available evidence is currently insufficient to determine the role of this variant in disease. Therefore, it has been classified as a Variant of Uncertain Significance. Algorithms developed to predict the effect of missense changes on protein structure and function (SIFT, PolyPhen-2, Align-GVGD) all suggest that this variant is likely to be tolerated. This variant has not been reported in the literature in individuals affected with STX1B-related conditions. This variant is not present in population databases (gnomAD no frequency). This sequence change replaces threonine, which is neutral and polar, with serine, which is neutral and polar, at codon 136 of the STX1B protein (p.Thr136Ser).